The following is an entry in ClinVar:

ClinVar aggregate classification (germline): Uncertain significance (1 of 4 stars; one submission).

Conditions:
Inborn genetic diseases. Identifiers: MedGen C0950123, MeSH D030342.

Submission:

Ambry Genetics
Classification: Uncertain significance for Inborn genetic diseases. Last evaluated: 2025-12-16. Review status: criteria provided, single submitter. Criteria: Ambry Variant Classification Scheme 2023. Collection method: clinical testing. Allele origin: germline.
Comment: The p.P466L variant (also known as c.1397C>T), located in coding exon 12 of the DPYD gene, results from a C to T substitution at nucleotide position 1397. The proline at codon 466 is replaced by leucine, an amino acid with similar properties. This amino acid position is conserved. In addition, this alteration is predicted to be tolerated by in silico analysis. Based on the available evidence, the clinical significance of this variant remains unclear.

NM_000110.4(DPYD):c.1397C>T (p.Pro466Leu)

Gene: DPYD (dihydropyrimidine dehydrogenase; minus strand). Cytogenetic location: 1p21.3.
Variant type: single nucleotide variant.
Coding change: c.1397C>T on transcript NM_000110.4 (MANE Select); coding-DNA position 1397, C replaced by T.
Protein change: p.Pro466Leu; replaces proline 466 with leucine.
Molecular consequence: missense variant.
Genome position (GRCh38, 1-based): chr1:97,549,687, G>A on the plus strand (C>T on the coding strand, the complement: DPYD is on the minus strand). VCF-style: chr1-97549687-G-A. GRCh37 (hg19) VCF-style: chr1-98015243-G-A.
Other names: short protein forms P466L.
Identifiers: ClinVar variation 4843747 (VCV004843747.1).